The following is an entry in ClinVar:

ClinVar aggregate classification (germline): Likely benign (0 of 4 stars; one submission).

Conditions:
EXOSC3-related disorder. Also called: EXOSC3-related condition.

gnomAD v4.1: 3 of 1,612,972 alleles (0.00019%); highest among the groups gnomAD compares: African/African-American, 0.004%; no homozygotes.

Submission:

PreventionGenetics, part of Exact Sciences
Classification: Likely benign for EXOSC3-related condition. Last evaluated: 2024-06-04. Review status: no assertion criteria provided. Collection method: clinical testing. Allele origin: germline.
Comment: This variant is classified as likely benign based on ACMG/AMP sequence variant interpretation guidelines (Richards et al. 2015 PMID: 25741868, with internal and published modifications).

NM_016042.4(EXOSC3):c.87C>T (p.Leu29=)

Gene: EXOSC3 (exosome component 3; minus strand). Cytogenetic location: 9p13.2.
Variant type: single nucleotide variant.
Coding change: c.87C>T on transcript NM_016042.4 (MANE Select); coding-DNA position 87, C replaced by T.
Protein change: p.Leu29=; no amino-acid change (leucine 29 retained).
Molecular consequence: synonymous variant.
Genome position (GRCh38, 1-based): chr9:37,784,958, G>A on the plus strand (C>T on the coding strand, the complement: EXOSC3 is on the minus strand). VCF-style: chr9-37784958-G-A. GRCh37 (hg19) VCF-style: chr9-37784955-G-A.
Other names: c.87C>T, p.Leu29= (NM_001002269.2).
Identifiers: ClinVar variation 3352173 (VCV003352173.1).